The following is an entry in ClinVar:

ClinVar aggregate classification (germline): Uncertain significance (1 of 4 stars; one submission).

Submission:

Labcorp Genetics (formerly Invitae), Labcorp
Classification: Uncertain significance. Last evaluated: 2019-12-04. Review status: criteria provided, single submitter. Criteria: Invitae Variant Classification Sherloc (09022015). Collection method: clinical testing. Allele origin: germline.
Comment: This sequence change replaces leucine with phenylalanine at codon 1055 of the MTOR protein (p.Leu1055Phe). The leucine residue is highly conserved and there is a small physicochemical difference between leucine and phenylalanine. This variant is not present in population databases (ExAC no frequency). This variant has not been reported in the literature in individuals with MTOR-related conditions. Algorithms developed to predict the effect of missense changes on protein structure and function are either unavailable or do not agree on the potential impact of this missense change (SIFT: "Deleterious"; PolyPhen-2: "Probably Damaging"; Align-GVGD: "Class C0"). In summary, the available evidence is currently insufficient to determine the role of this variant in disease. Therefore, it has been classified as a Variant of Uncertain Significance.

NM_004958.4(MTOR):c.3163C>T (p.Leu1055Phe)

Gene: MTOR (mechanistic target of rapamycin kinase; minus strand). Cytogenetic location: 1p36.22.
Variant type: single nucleotide variant.
Coding change: c.3163C>T on transcript NM_004958.4 (MANE Select); coding-DNA position 3163, C replaced by T.
Protein change: p.Leu1055Phe; replaces leucine 1055 with phenylalanine.
Molecular consequence: missense variant.
Genome position (GRCh38, 1-based): chr1:11,213,521, G>A on the plus strand (C>T on the coding strand, the complement: MTOR is on the minus strand). VCF-style: chr1-11213521-G-A. GRCh37 (hg19) VCF-style: chr1-11273578-G-A.
Other names: short protein forms L1055F.
Identifiers: ClinVar variation 835757 (VCV000835757.9), dbSNP rs1646374636, ClinGen allele CA338375254.
Genomic context (GRCh38, chr1:11,213,521, plus strand): 5'-TCAGCTGGGGCAGGTAGAGCTTAAATTCACCCCCAAGAGCTACCACAATTTGCTCAATGA[G>A]AAGAATGATCGTGCTCTGAATTGAGGTGTTCATGACCCAGAATTCCTACAAAGAGAGAAA-3'
Protein context (NP_004949.1, residues 1045-1065): NTSIQSTIIL[Leu1055Phe]IEQIVVALGG